The following is an entry in ClinVar:

ClinVar aggregate classification (germline): Uncertain significance (1 of 4 stars; one submission).

Submission:

Labcorp Genetics (formerly Invitae), Labcorp
Classification: Uncertain significance. Last evaluated: 2024-11-28. Review status: criteria provided, single submitter. Criteria: Invitae Variant Classification Sherloc (09022015). Collection method: clinical testing. Allele origin: germline.
Comment: This sequence change replaces alanine, which is neutral and non-polar, with glycine, which is neutral and non-polar, at codon 107 of the TSR2 protein (p.Ala107Gly). This variant is not present in population databases (gnomAD no frequency). This variant has not been reported in the literature in individuals affected with TSR2-related conditions. An algorithm developed to predict the effect of missense changes on protein structure and function (PolyPhen-2) suggests that this variant is likely to be tolerated. In summary, the available evidence is currently insufficient to determine the role of this variant in disease. Therefore, it has been classified as a Variant of Uncertain Significance.

NM_058163.3(TSR2):c.320C>G (p.Ala107Gly)

Gene: TSR2 (TSR2 ribosome maturation factor; plus strand). Cytogenetic location: Xp11.22.
Variant type: single nucleotide variant.
Coding change: c.320C>G on transcript NM_058163.3 (MANE Select); coding-DNA position 320, C replaced by G.
Protein change: p.Ala107Gly; replaces alanine 107 with glycine.
Molecular consequence: missense variant.
Genome position (GRCh38, 1-based): chrX:54,444,063, C>G. VCF-style: chrX-54444063-C-G. GRCh37 (hg19) VCF-style: chrX-54470496-C-G.
Other names: c.311C>G, p.Ala104Gly (NM_001346789.2); c.35C>G, p.Ala12Gly (NM_001346790.2, NM_001346791.2, NM_001346792.2); short protein forms A107G, A12G, A104G.
Identifiers: ClinVar variation 3725828 (VCV003725828.2).